The following is an entry in ClinVar:

ClinVar aggregate classification (germline): Pathogenic (1 of 4 stars; one submission).

Conditions:
Thrombocytopenia 1. Also called: X-Linked Thrombocytopenia (XLT); THROMBOCYTOPENIA, X-LINKED, 1; X-linked thrombocytopenia with normal platelets. Identifiers: Orphanet 268322, Orphanet 852, MedGen C1839163, MONDO:0010743, OMIM 313900.
Wiskott-Aldrich syndrome (WAS). Also called: ALDRICH SYNDROME; IMMUNODEFICIENCY 2; WISKOTT-ALDRICH SYNDROME 1; Wiskott-aldrich syndrome, somatic. Identifiers: Orphanet 906, MedGen C0043194, MONDO:0010518, OMIM 301000.
X-linked severe congenital neutropenia (SCNX). Identifiers: Orphanet 86788, MedGen C1845987, MONDO:0010294, OMIM 300299.

Submission:

Labcorp Genetics (formerly Invitae), Labcorp
Classification: Pathogenic for Wiskott-Aldrich syndrome; X-linked severe congenital neutropenia; Thrombocytopenia 1. Last evaluated: 2021-02-02. Review status: criteria provided, single submitter. Criteria: Invitae Variant Classification Sherloc (09022015). Collection method: clinical testing. Allele origin: germline.
Comment: For these reasons, this variant has been classified as Pathogenic. This variant disrupts the C-terminus of the WAS protein. Other variant(s) that disrupt this region (p.Leu425Profs*70) have been determined to be pathogenic (PMID: 8528198, 11442475, 12727931, 24210885). This suggests that variants that disrupt this region of the protein are likely to be causative of disease. This variant has not been reported in the literature in individuals with WAS-related conditions. This variant is not present in population databases (ExAC no frequency). This sequence change creates a premature translational stop signal (p.Pro341Leufs*154) in the WAS gene. While this is not anticipated to result in nonsense mediated decay, it is expected to disrupt the last 162 amino acid(s) of the WAS protein.

Literature cited by the submitters: PubMed 8528198; PubMed 11442475; PubMed 12727931; PubMed 24210885.

NM_000377.3(WAS):c.1021_1022insT (p.Pro341fs)

Gene: WAS (WASP actin nucleation promoting factor; plus strand). Cytogenetic location: Xp11.23.
Variant type: Insertion.
Coding change: c.1021_1022insT on transcript NM_000377.3 (MANE Select); coding-DNA positions 1021 to 1022, T inserted.
Protein change: p.Pro341fs; shifts the reading frame from proline 341.
Molecular consequence: frameshift variant.
Genome position: GRCh38 VCF-style: chrX-48688749-C-CT. GRCh37 (hg19) VCF-style: chrX-48547138-C-CT.
Other names: short protein forms P341fs.
Identifiers: ClinVar variation 1418621 (VCV001418621.8), dbSNP rs2147266379, ClinGen allele CA2573158941.